The following is an entry in ClinVar:

NM_001128148.3(TFRC):c.1195C>T (p.Pro399Ser)

Gene: TFRC (transferrin receptor; minus strand). Cytogenetic location: 3q29.
Variant type: single nucleotide variant.
Coding change: c.1195C>T on transcript NM_001128148.3 (MANE Select); coding-DNA position 1195, C replaced by T.
Protein change: p.Pro399Ser; replaces proline 399 with serine.
Molecular consequence: missense variant.
Genome position (GRCh38, 1-based): chr3:196,065,446, G>A on the plus strand (C>T on the coding strand, the complement: TFRC is on the minus strand). VCF-style: chr3-196065446-G-A. GRCh37 (hg19) VCF-style: chr3-195792317-G-A.
Other names: c.952C>T, p.Pro318Ser (NM_001313965.2); c.349C>T, p.Pro117Ser (NM_001313966.2); c.1195C>T, p.Pro399Ser (NM_003234.4); short protein forms P318S, P399S, P117S.
Identifiers: ClinVar variation 4740922 (VCV004740922.1).

ClinVar aggregate classification (germline): Uncertain significance (1 of 4 stars; one submission).

Submission:

Labcorp Genetics (formerly Invitae), Labcorp
Classification: Uncertain significance. Last evaluated: 2025-07-18. Review status: criteria provided, single submitter. Criteria: Invitae Variant Classification Sherloc (09022015). Collection method: clinical testing. Allele origin: germline.
Comment: This sequence change replaces proline, which is neutral and non-polar, with serine, which is neutral and polar, at codon 399 of the TFRC protein (p.Pro399Ser). This variant is not present in population databases (gnomAD no frequency). This variant has not been reported in the literature in individuals affected with TFRC-related conditions. Invitae Evidence Modeling of protein sequence and biophysical properties (such as structural, functional, and spatial information, amino acid conservation, physicochemical variation, residue mobility, and thermodynamic stability) indicates that this missense variant is not expected to disrupt TFRC protein function with a negative predictive value of 80%. In summary, the available evidence is currently insufficient to determine the role of this variant in disease. Therefore, it has been classified as a Variant of Uncertain Significance.